The following is an entry in ClinVar:

NM_020457.3(THAP11):c.298G>T (p.Ala100Ser)

Genes: CENPT (centromere protein T; minus strand), THAP11 (THAP domain containing 11; plus strand). Cytogenetic location: 16q22.1.
Variant type: single nucleotide variant.
Coding change: c.298G>T on transcript NM_020457.3 (MANE Select); coding-DNA position 298, G replaced by T.
Protein change: p.Ala100Ser; replaces alanine 100 with serine.
Molecular consequence: missense variant. On other transcripts: intron variant (1).
Genome position (GRCh38, 1-based): chr16:67,842,852, G>T. VCF-style: chr16-67842852-G-T. GRCh37 (hg19) VCF-style: chr16-67876755-G-T.
Other names: c.-492+4549C>A (NM_025082.4); short protein forms A100S.
Identifiers: ClinVar variation 2082417 (VCV002082417.5), dbSNP rs754275294, ClinGen allele CA8118142.

ClinVar aggregate classification (germline): Uncertain significance. Review status: criteria provided, multiple submitters, no conflicts (2 of 4 stars). 2 submissions from 2 submitters: Uncertain significance (2). Last evaluated 2022-06-03.

Allele frequency attached by ClinVar (database versions not stated): gnomAD 0.00004; gnomAD exomes 0.00004; TOPMed 0.00005; ExAC 0.00011.
gnomAD v4.1: 65 of 1,601,522 alleles (0.0041%); highest among the groups gnomAD compares: Middle Eastern, 0.29%; 1 homozygote.

Submissions (2):

Labcorp Genetics (formerly Invitae), Labcorp
Classification: Uncertain significance. Last evaluated: 2022-06-03. Review status: criteria provided, single submitter. Criteria: Invitae Variant Classification Sherloc (09022015). Collection method: clinical testing. Allele origin: germline.
Comment: In summary, the available evidence is currently insufficient to determine the role of this variant in disease. Therefore, it has been classified as a Variant of Uncertain Significance. Algorithms developed to predict the effect of missense changes on protein structure and function are either unavailable or do not agree on the potential impact of this missense change (SIFT: "Tolerated"; PolyPhen-2: "Not Available"; Align-GVGD: "Class C0"). This variant has not been reported in the literature in individuals affected with THAP11-related conditions. This variant is present in population databases (rs754275294, gnomAD 0.01%). This sequence change replaces alanine, which is neutral and non-polar, with serine, which is neutral and polar, at codon 100 of the THAP11 protein (p.Ala100Ser).

Ambry Genetics
Classification: Uncertain significance. Last evaluated: 2021-07-13. Review status: criteria provided, single submitter. Criteria: Ambry Variant Classification Scheme 2023. Collection method: clinical testing. Allele origin: germline.